The following is an entry in ClinVar:

NM_001127222.2(CACNA1A):c.3622G>A (p.Asp1208Asn)

Gene: CACNA1A (calcium voltage-gated channel subunit alpha1 A; minus strand). Cytogenetic location: 19p13.13.
Variant type: single nucleotide variant.
Coding change: c.3622G>A on transcript NM_001127222.2 (MANE Select); coding-DNA position 3622, G replaced by A.
Protein change: p.Asp1208Asn; replaces aspartic acid 1208 with asparagine.
Molecular consequence: missense variant.
Genome position (GRCh38, 1-based): chr19:13,285,138, C>T on the plus strand (G>A on the coding strand, the complement: CACNA1A is on the minus strand). VCF-style: chr19-13285138-C-T. GRCh37 (hg19) VCF-style: chr19-13395952-C-T.
Other names: c.3634G>A, p.Asp1212Asn (NM_000068.4, NM_023035.3); c.3625G>A, p.Asp1209Asn (NM_001127221.2, NM_001174080.2); c.3622G>A (NM_001127222.1); short protein forms D1209N, D1208N, D1212N.
Identifiers: ClinVar variation 570372 (VCV000570372.54), dbSNP rs750231498, ClinGen allele CA9240254.
Genomic context (GRCh38, chr19:13,285,138, plus strand): 5'-TGGACAGGATGAACATGGAGCTATAGGGAGGCATTGGCTTAGGGCCGTCTTCCCCACGGT[C>T]GTCTTCCTCCTCCTCCTTCTTCTCTTCCTCTTTTTTTGGCAGTGGGTCTGGGTTGGCGTT-3'
Protein context (NP_001120694.1, residues 1198-1218): EEEKKEEEED[Asp1208Asn]RGEDGPKPMP

ClinVar aggregate classification (germline): Conflicting classifications of pathogenicity. Review status: criteria provided, conflicting classifications (1 of 4 stars). 6 submissions from 6 submitters: Uncertain significance (3); Likely benign (3). Last evaluated 2026-02-06.

Conditions:
Inborn genetic diseases. Identifiers: MedGen C0950123, MeSH D030342.
CACNA1A-related disorder. Also called: CACNA1A-related condition.
Developmental and epileptic encephalopathy, 42 (DEE42A). Also called: DEVELOPMENTAL AND EPILEPTIC ENCEPHALOPATHY 42A; Epileptic encephalopathy, early infantile, 42; EPILEPTIC ENCEPHALOPATHY, EARLY INFANTILE, 42A. Identifiers: MedGen C4310716, MONDO:0014917, OMIM 617106.
Episodic ataxia type 2 (EA2). Also called: ATAXIA, EPISODIC, WITH NYSTAGMUS; ATAXIA, FAMILIAL PAROXYSMAL; CEREBELLAR ATAXIA, PAROXYSMAL, ACETAZOLAMIDE-RESPONSIVE; CEREBELLOPATHY, HEREDITARY PAROXYSMAL; EPISODIC ATAXIA, NYSTAGMUS-ASSOCIATED; ACETAZOLAMIDE-RESPONSIVE HEREDITARY PAROXYSMAL CEREBELLAR ATAXIA. Identifiers: Orphanet 97, MedGen C1720416, MONDO:0007163, OMIM 108500.

Allele frequency attached by ClinVar (database versions not stated): TOPMed 0.00004; gnomAD 0.00005 and 0.00004; ExAC 0.00002; gnomAD exomes 0.00002.
gnomAD v4.1: 44 of 1,613,926 alleles (0.0027%); highest among the groups gnomAD compares: Middle Eastern, 0.049%; no homozygotes.

Submissions (6):

GeneDx
Classification: Uncertain significance. Last evaluated: 2026-02-06. Review status: criteria provided, single submitter. Criteria: GeneDx Variant Classification Process June 2021. Collection method: clinical testing. Allele origin: germline. Affected: yes.
Comment: In silico analysis supports that this missense variant has a deleterious effect on protein structure/function; Has not been previously published as pathogenic or benign to our knowledge

Labcorp Genetics (formerly Invitae), Labcorp
Classification: Likely benign for Developmental and epileptic encephalopathy, 42; Episodic ataxia type 2. Last evaluated: 2025-11-19. Review status: criteria provided, single submitter. Criteria: Invitae Variant Classification Sherloc (09022015). Collection method: clinical testing. Allele origin: germline.

CeGaT Center for Human Genetics Tuebingen
Classification: Uncertain significance. Last evaluated: 2025-03-01. Review status: criteria provided, single submitter. Criteria: CeGaT Center For Human Genetics Tuebingen Variant Classification Criteria Version 2. Collection method: clinical testing. Allele origin: germline. Affected: yes. Observed: 5 variant alleles.
Comment: CACNA1A: PM2:Supporting, BP4

Blueprint Genetics
Classification: Likely benign. Last evaluated: 2024-09-14. Review status: criteria provided, single submitter. Criteria: ACMG Guidelines, 2015. Collection method: clinical testing. Allele origin: germline.

PreventionGenetics, part of Exact Sciences
Classification: Uncertain significance for CACNA1A-related condition. Last evaluated: 2023-10-13. Review status: criteria provided, single submitter. Criteria: ACMG Guidelines, 2015. Collection method: clinical testing. Allele origin: germline.
Comment: The CACNA1A c.3622G>A variant is predicted to result in the amino acid substitution p.Asp1208Asn. To our knowledge, this variant has not been reported in the literature. This variant is reported in 0.0041% of alleles in individuals of African descent in gnomAD. At this time, the clinical significance of this variant is uncertain due to the absence of conclusive functional and genetic evidence.

Ambry Genetics
Classification: Likely benign for Inborn genetic diseases. Last evaluated: 2022-10-26. Review status: criteria provided, single submitter. Criteria: Ambry Variant Classification Scheme 2023. Collection method: clinical testing. Allele origin: germline.